The following is an entry in ClinVar:

NM_001369623.2(PI4KB):c.2433C>T (p.Leu811=)

Gene: PI4KB (phosphatidylinositol 4-kinase beta; minus strand). Cytogenetic location: 1q21.3.
Variant type: single nucleotide variant.
Coding change: c.2433C>T on transcript NM_001369623.2 (MANE Select); coding-DNA position 2433, C replaced by T.
Protein change: p.Leu811=; no amino-acid change (leucine 811 retained).
Molecular consequence: synonymous variant.
Genome position (GRCh38, 1-based): chr1:151,292,870, G>A on the plus strand (C>T on the coding strand, the complement: PI4KB is on the minus strand). VCF-style: chr1-151292870-G-A. GRCh37 (hg19) VCF-style: chr1-151265346-G-A.
Other names: c.2388C>T, p.Leu796= (NM_001198773.3, NM_001198774.2, NM_001369624.1); c.1437C>T, p.Leu479= (NM_001198775.3); c.2433C>T, p.Leu811= (NM_001330721.2, NM_001369629.2); c.2424C>T, p.Leu808= (NM_001369625.1); c.2496C>T, p.Leu832= (NM_001369626.1); c.2487C>T, p.Leu829= (NM_001369628.1); c.2469C>T, p.Leu823= (NM_002651.4).
Identifiers: ClinVar variation 4980152 (VCV004980152.1).

ClinVar aggregate classification (germline): Likely benign (1 of 4 stars; one submission).

Conditions:
PI4KB-related disorder. Also called: PI4KB-related condition.

gnomAD v4.1: 23 of 1,614,124 alleles (0.0014%); highest among the groups gnomAD compares: African/African-American, 0.028%; no homozygotes.

Submission:

PreventionGenetics, part of Exact Sciences
Classification: Likely benign for PI4KB-related condition. Last evaluated: 2026-09-23. Review status: criteria provided, single submitter. Criteria: ACMG Guidelines, 2015. Collection method: clinical testing. Allele origin: germline.
Comment: This variant is classified as likely benign based on ACMG/AMP sequence variant interpretation guidelines (Richards et al. 2015 PMID: 25741868, with internal and published modifications).